The following is an entry in ClinVar:

ClinVar aggregate classification (germline): Pathogenic/Likely pathogenic. Review status: criteria provided, multiple submitters, no conflicts (2 of 4 stars). 4 submissions from 4 submitters: Pathogenic (3); Likely pathogenic (1). Last evaluated 2026-04-24.

Conditions:
CEDNIK syndrome. Also called: CEREBRAL DYSGENESIS, NEUROPATHY, ICHTHYOSIS, AND PALMOPLANTAR KERATODERMA SYNDROME; Cerebral dysgenesis, neuropathy, ichthyosis, and palmoplantar keratoderma. Identifiers: Orphanet 66631, MedGen C1836033, MONDO:0012290, OMIM 609528.

Allele frequency attached by ClinVar (database versions not stated): gnomAD 0.00001; TOPMed 0.00001.
gnomAD v4.1: 13 of 1,613,946 alleles (0.00081%); highest among the groups gnomAD compares: Non-Finnish European, 0.0011%; no homozygotes.

Submissions (4):

Foundation for Research in Genetics and Endocrinology, FRIGE's Institute of Human Genetics
Classification: Pathogenic for CEDNIK syndrome. Last evaluated: 2026-04-24. Review status: criteria provided, single submitter. Criteria: ACMG Guidelines, 2015. Collection method: clinical testing. Allele origin: germline. Inheritance: Autosomal recessive inheritance. Affected: yes. Observed: 1 variant allele, 1 homozygote.
Comment: A homozygous nonsense variant in exon 2 of the SNAP29 gene that results in a stop codon and premature truncation of the protein at codon 85 (p.Arg85Ter) was detected. This variant has not been reported in the 1000 genomes and gnomAD (v2.1) databases and has a minor allele frequency of 0.00066% and 0.00113% in the gnomAD (v3.1), topmed databases respectively. The reference codon is conserved across species. In summary, the variant meets our criteria to be classified as pathogenic.

CeGaT Center for Human Genetics Tuebingen
Classification: Pathogenic. Last evaluated: 2026-04-01. Review status: criteria provided, single submitter. Criteria: CeGaT Center For Human Genetics Tuebingen Variant Classification Criteria Version 2. Collection method: clinical testing. Allele origin: germline. Affected: yes. Observed: 1 variant allele.
Comment: SNAP29: PVS1, PM2, PM3:Supporting

Fulgent Genetics
Classification: Likely pathogenic for CEDNIK syndrome. Last evaluated: 2024-06-04. Review status: criteria provided, single submitter. Criteria: ACMG Guidelines, 2015. Collection method: clinical testing. Allele origin: germline.

Labcorp Genetics (formerly Invitae), Labcorp
Classification: Pathogenic. Last evaluated: 2023-04-18. Review status: criteria provided, single submitter. Criteria: Invitae Variant Classification Sherloc (09022015). Collection method: clinical testing. Allele origin: germline.
Comment: For these reasons, this variant has been classified as Pathogenic. This premature translational stop signal has been observed in individual(s) with cerebral dysgenesis, neuropathy, ichthyosis, and palmoplantar keratoderma syndrome (PMID: 30793783). This variant is not present in population databases (gnomAD no frequency). This sequence change creates a premature translational stop signal (p.Arg85*) in the SNAP29 gene. It is expected to result in an absent or disrupted protein product. Loss-of-function variants in SNAP29 are known to be pathogenic (PMID: 15968592, 21073448).

Literature cited by the submitters: PubMed 30793783 (cited by Labcorp Genetics (formerly Invitae), Labcorp); PubMed 15968592 (cited by Labcorp Genetics (formerly Invitae), Labcorp); PubMed 21073448 (cited by Labcorp Genetics (formerly Invitae), Labcorp).

NM_004782.4(SNAP29):c.253C>T (p.Arg85Ter)

Gene: SNAP29 (synaptosome associated protein 29; plus strand). Cytogenetic location: 22q11.21.
Variant type: single nucleotide variant.
Coding change: c.253C>T on transcript NM_004782.4 (MANE Select); coding-DNA position 253, C replaced by T.
Protein change: p.Arg85Ter; replaces arginine 85 with a stop codon.
Molecular consequence: nonsense.
Genome position (GRCh38, 1-based): chr22:20,870,352, C>T. VCF-style: chr22-20870352-C-T. GRCh37 (hg19) VCF-style: chr22-21224640-C-T.
Other names: p.Arg85Ter; short protein forms R85*.
Identifiers: ClinVar variation 2884092 (VCV002884092.7), dbSNP rs1928559435, ClinGen allele CA410756046.